The following is an entry in ClinVar:

ClinVar aggregate classification (germline): Uncertain significance (1 of 4 stars; one submission).

Conditions:
Malignant hyperthermia, susceptibility to, 1 (MHS1). Also called: Anesthesia related hyperthermia; Malignant hyperpyrexia; Fulminating hyperpyrexia; Pharmacogenic myopathy; RYR1-Related Malignant Hyperthermia Susceptibility; Malignant hyperthermia suceptibility 1. Identifiers: Orphanet 423, MedGen C2930980, MONDO:0007783, OMIM 145600.

Submission:

All of Us Research Program, National Institutes of Health
Classification: Uncertain significance for Malignant hyperthermia, susceptibility to, 1. Last evaluated: 2023-11-02. Review status: criteria provided, single submitter. Criteria: ACMG Guidelines, 2015. Collection method: clinical testing. Allele origin: germline. Inheritance: Autosomal dominant inheritance. Observed: 1 variant allele, 1 heterozygote.
Comment: This missense variant replaces isoleucine with valine at codon 1981 of the RYR1 protein. Computational prediction suggests that this variant may not impact protein structure and function (internally defined REVEL score threshold <= 0.5, PMID: 27666373). To our knowledge, functional studies have not been reported for this variant. This variant has not been reported in individuals affected with RYR1-related disorders in the literature. This variant has not been identified in the general population by the Genome Aggregation Database (gnomAD). The available evidence is insufficient to determine the role of this variant in disease conclusively. Therefore, this variant is classified as a Variant of Uncertain Significance.

This study involves interpretation of variants in research participants for the purpose of population health screening. Participant phenotype was not available at the time of variant classification. Additional details can be found in publication PMID: 35346344, PMCID: PMC8962531

NM_000540.3(RYR1):c.5941A>G (p.Ile1981Val)

Gene: RYR1 (ryanodine receptor 1; plus strand). Cytogenetic location: 19q13.2.
Variant type: single nucleotide variant.
Coding change: c.5941A>G on transcript NM_000540.3 (MANE Select); coding-DNA position 5941, A replaced by G.
Protein change: p.Ile1981Val; replaces isoleucine 1981 with valine.
Molecular consequence: missense variant.
Genome position (GRCh38, 1-based): chr19:38,490,202, A>G. VCF-style: chr19-38490202-A-G. GRCh37 (hg19) VCF-style: chr19-38980842-A-G.
Other names: c.5941A>G, p.Ile1981Val (NM_001042723.2); short protein forms I1981V.
Identifiers: ClinVar variation 3074355 (VCV003074355.1), dbSNP rs2514252301, ClinGen allele CA405660531.